The following is an entry in ClinVar:

NM_030777.4(SLC2A10):c.432C>T (p.Thr144=)

Gene: SLC2A10 (solute carrier family 2 member 10; plus strand). Cytogenetic location: 20q13.12.
Variant type: single nucleotide variant.
Coding change: c.432C>T on transcript NM_030777.4 (MANE Select); coding-DNA position 432, C replaced by T.
Protein change: p.Thr144=; no amino-acid change (threonine 144 retained).
Molecular consequence: synonymous variant.
Genome position (GRCh38, 1-based): chr20:46,725,468, C>T. VCF-style: chr20-46725468-C-T. GRCh37 (hg19) VCF-style: chr20-45354107-C-T.
Identifiers: ClinVar variation 520173 (VCV000520173.23), dbSNP rs371344477, ClinGen allele CA9891974.

ClinVar aggregate classification (germline): Conflicting classifications of pathogenicity. Review status: criteria provided, conflicting classifications (1 of 4 stars). 4 submissions from 4 submitters: Uncertain significance (1); Likely benign (2). 1 of the submissions does not count toward it. Last evaluated 2026-01-15.

Conditions:
SLC2A10-related disorder. Also called: SLC2A10-related condition.
Familial thoracic aortic aneurysm and aortic dissection (TAAD). Also called: Thoracic aortic aneurysms and dissections. Identifiers: Orphanet 91387, MedGen C4707243, MONDO:0019625.
Arterial tortuosity syndrome (ATORS). Identifiers: Orphanet 3342, MedGen C1859726, MONDO:0008818, OMIM 208050.

Allele frequency attached by ClinVar (database versions not stated): gnomAD 0.00001; TOPMed 0.00004; ESP Exome Variant Server 0.00008.
gnomAD v4.1: 42 of 1,613,984 alleles (0.0026%); highest among the groups gnomAD compares: East Asian, 0.056%; no homozygotes.

Submissions (4):

Labcorp Genetics (formerly Invitae), Labcorp
Classification: Likely benign for Arterial tortuosity syndrome. Last evaluated: 2026-01-15. Review status: criteria provided, single submitter. Criteria: Invitae Variant Classification Sherloc (09022015). Collection method: clinical testing. Allele origin: germline.

Illumina Laboratory Services, Illumina
Classification: Uncertain significance for Arterial tortuosity syndrome. Last evaluated: 2018-01-12. Review status: criteria provided, single submitter. Criteria: ICSL Variant Classification Criteria 13 December 2019. Collection method: clinical testing. Allele origin: germline.

Ambry Genetics
Classification: Likely benign for Familial thoracic aortic aneurysm and aortic dissection. Last evaluated: 2016-01-25. Review status: criteria provided, single submitter. Criteria: Ambry Variant Classification Scheme 2023. Collection method: clinical testing. Allele origin: germline.

PreventionGenetics, part of Exact Sciences
Classification: Likely benign for SLC2A10-related condition. Last evaluated: 2024-03-06. Review status: no assertion criteria provided. Collection method: clinical testing. Allele origin: germline. Not counted in ClinVar's aggregate classification.
Comment: This variant is classified as likely benign based on ACMG/AMP sequence variant interpretation guidelines (Richards et al. 2015 PMID: 25741868, with internal and published modifications).